The following is an entry in ClinVar:

NM_014055.4(IFT81):c.1848+1G>T

Gene: IFT81 (intraflagellar transport 81; plus strand). Cytogenetic location: 12q24.11.
Variant type: single nucleotide variant.
Coding change: c.1848+1G>T on transcript NM_014055.4 (MANE Select); the canonical splice donor site of the intron after coding-DNA position 1848, G replaced by T.
Molecular consequence: splice donor variant.
Genome position (GRCh38, 1-based): chr12:110,209,217, G>T. VCF-style: chr12-110209217-G-T. GRCh37 (hg19) VCF-style: chr12-110647022-G-T.
Other names: c.918+1G>T (NM_001347948.2, NM_001347947.2); c.1848+1G>T (NM_001143779.2).
Identifiers: ClinVar variation 960649 (VCV000960649.8), dbSNP rs1869085407, ClinGen allele CA386910527.

ClinVar aggregate classification (germline): Uncertain significance (1 of 4 stars; one submission).

Submission:

Labcorp Genetics (formerly Invitae), Labcorp
Classification: Uncertain significance. Last evaluated: 2025-08-18. Review status: criteria provided, single submitter. Criteria: Invitae Variant Classification Sherloc (09022015). Collection method: clinical testing. Allele origin: germline.
Comment: This sequence change affects a donor splice site in intron 18 of the IFT81 gene. While this variant is not anticipated to result in nonsense mediated decay, it likely alters RNA splicing and results in a disrupted protein product. This variant is not present in population databases (gnomAD no frequency). This variant has not been reported in the literature in individuals affected with IFT81-related conditions. ClinVar contains an entry for this variant (Variation ID: 960649). Variants that disrupt the consensus splice site are a relatively common cause of aberrant splicing (PMID: 17576681, 9536098). Algorithms developed to predict the effect of sequence changes on RNA splicing suggest that this variant may disrupt the consensus splice site. In summary, the available evidence is currently insufficient to determine the role of this variant in disease. Therefore, it has been classified as a Variant of Uncertain Significance.

Literature cited by the submitters: PubMed 17576681; PubMed 9536098.